The following is an entry in ClinVar:

ClinVar aggregate classification (germline): Uncertain significance (1 of 4 stars; one submission).

Conditions:
Progressive sclerosing poliodystrophy (MTDPS4A). Also called: Mitochondrial DNA depletion syndrome 4A (Alpers type); Alpers Syndrome; ALPERS DIFFUSE DEGENERATION OF CEREBRAL GRAY MATTER WITH HEPATIC CIRRHOSIS; Alpers-Huttenlocher Syndrome; ALPERS PROGRESSIVE INFANTILE POLIODYSTROPHY; NEURONAL DEGENERATION OF CHILDHOOD WITH LIVER DISEASE, PROGRESSIVE. Identifiers: Orphanet 726, MedGen C0205710, MONDO:0008758, OMIM 203700.

Allele frequency attached by ClinVar (database versions not stated): gnomAD exomes below 0.00001; ExAC 0.00001.
gnomAD v4.1: 6 of 1,613,764 alleles (0.00037%); highest among the groups gnomAD compares: Non-Finnish European, 0.00051%; no homozygotes.

Submission:

Labcorp Genetics (formerly Invitae), Labcorp
Classification: Uncertain significance for Progressive sclerosing poliodystrophy. Last evaluated: 2023-09-10. Review status: criteria provided, single submitter. Criteria: Invitae Variant Classification Sherloc (09022015). Collection method: clinical testing. Allele origin: germline.
Comment: This sequence change replaces threonine, which is neutral and polar, with isoleucine, which is neutral and non-polar, at codon 326 of the POLG protein (p.Thr326Ile). This variant is present in population databases (rs769461144, gnomAD 0.0009%). This variant has not been reported in the literature in individuals affected with POLG-related conditions. ClinVar contains an entry for this variant (Variation ID: 2163610). Advanced modeling of protein sequence and biophysical properties (such as structural, functional, and spatial information, amino acid conservation, physicochemical variation, residue mobility, and thermodynamic stability) performed at Invitae indicates that this missense variant is not expected to disrupt POLG protein function. In summary, the available evidence is currently insufficient to determine the role of this variant in disease. Therefore, it has been classified as a Variant of Uncertain Significance.

NM_002693.3(POLG):c.977C>T (p.Thr326Ile)

Gene: POLG (DNA polymerase gamma, catalytic subunit; minus strand). Cytogenetic location: 15q26.1.
Variant type: single nucleotide variant.
Coding change: c.977C>T on transcript NM_002693.3 (MANE Select); coding-DNA position 977, C replaced by T.
Protein change: p.Thr326Ile; replaces threonine 326 with isoleucine.
Molecular consequence: missense variant.
Genome position (GRCh38, 1-based): chr15:89,328,989, G>A on the plus strand (C>T on the coding strand, the complement: POLG is on the minus strand). VCF-style: chr15-89328989-G-A. GRCh37 (hg19) VCF-style: chr15-89872220-G-A.
Other names: c.977C>T, p.Thr326Ile (NM_001126131.2); short protein forms T326I.
Identifiers: ClinVar variation 2163610 (VCV002163610.4), dbSNP rs769461144, ClinGen allele CA7724986.